The following is an entry in ClinVar:

NM_000057.4(BLM):c.1987T>A (p.Phe663Ile)

Gene: BLM (BLM RecQ like helicase; plus strand). Cytogenetic location: 15q26.1.
Variant type: single nucleotide variant.
Coding change: c.1987T>A on transcript NM_000057.4 (MANE Select); coding-DNA position 1987, T replaced by A.
Protein change: p.Phe663Ile; replaces phenylalanine 663 with isoleucine.
Molecular consequence: missense variant.
Genome position (GRCh38, 1-based): chr15:90,763,070, T>A. VCF-style: chr15-90763070-T-A. GRCh37 (hg19) VCF-style: chr15-91306300-T-A.
Other names: c.1987T>A, p.Phe663Ile (NM_001287246.2, NM_001287247.2); c.862T>A, p.Phe288Ile (NM_001287248.2); short protein forms F663I, F288I.
Identifiers: ClinVar variation 2716048 (VCV002716048.3), dbSNP rs2505435005, ClinGen allele CA393844298.

ClinVar aggregate classification (germline): Uncertain significance (1 of 4 stars; one submission).

Conditions:
Bloom syndrome (BLM). Also called: Bloom-Torre-Machacek syndrome. Identifiers: Orphanet 125, MedGen C0005859, MONDO:0008876, OMIM 210900.

Allele frequency attached by ClinVar (database versions not stated): gnomAD exomes below 0.00001.
gnomAD v4.1: 1 of 1,614,110 alleles (0.000062%); no homozygotes.

Submission:

Labcorp Genetics (formerly Invitae), Labcorp
Classification: Uncertain significance for Bloom syndrome. Last evaluated: 2024-10-29. Review status: criteria provided, single submitter. Criteria: Invitae Variant Classification Sherloc (09022015). Collection method: clinical testing. Allele origin: germline.
Comment: This sequence change replaces phenylalanine, which is neutral and non-polar, with isoleucine, which is neutral and non-polar, at codon 663 of the BLM protein (p.Phe663Ile). This variant is not present in population databases (gnomAD no frequency). This variant has not been reported in the literature in individuals affected with BLM-related conditions. ClinVar contains an entry for this variant (Variation ID: 2716048). Invitae Evidence Modeling of protein sequence and biophysical properties (such as structural, functional, and spatial information, amino acid conservation, physicochemical variation, residue mobility, and thermodynamic stability) indicates that this missense variant is expected to disrupt BLM protein function with a positive predictive value of 80%. In summary, the available evidence is currently insufficient to determine the role of this variant in disease. Therefore, it has been classified as a Variant of Uncertain Significance.